The following is an entry in ClinVar:

ClinVar aggregate classification (germline): Likely benign. Review status: criteria provided, multiple submitters, no conflicts (2 of 4 stars). 2 submissions from 2 submitters: Likely benign (2). Last evaluated 2024-11-01.

Conditions:
Early-infantile DEE. Also called: Early infantile epileptic encephalopathy; Ohtahara syndrome; Early infantile epileptic encephalopathy with suppression bursts. Identifiers: Orphanet 1934, MedGen C0393706, MONDO:0800491.

gnomAD v4.1: 3 of 1,611,026 alleles (0.00019%); highest among the groups gnomAD compares: Non-Finnish European, 0.00025%; no homozygotes.

Submissions (2):

CeGaT Center for Human Genetics Tuebingen
Classification: Likely benign. Last evaluated: 2024-11-01. Review status: criteria provided, single submitter. Criteria: CeGaT Center For Human Genetics Tuebingen Variant Classification Criteria Version 2. Collection method: clinical testing. Allele origin: germline. Affected: yes. Observed: 1 variant allele.
Comment: HCN1: BP4

Labcorp Genetics (formerly Invitae), Labcorp
Classification: Likely benign for Early-infantile DEE. Last evaluated: 2023-08-04. Review status: criteria provided, single submitter. Criteria: Invitae Variant Classification Sherloc (09022015). Collection method: clinical testing. Allele origin: germline.

NM_021072.4(HCN1):c.425+7G>A

Gene: HCN1 (hyperpolarization activated cyclic nucleotide gated potassium channel 1; minus strand). Cytogenetic location: 5p12.
Variant type: single nucleotide variant.
Coding change: c.425+7G>A on transcript NM_021072.4 (MANE Select); 7 bases into the intron after coding-DNA position 425, G replaced by A.
Molecular consequence: intron variant.
Genome position (GRCh38, 1-based): chr5:45,695,662, C>T on the plus strand (G>A on the coding strand, the complement: HCN1 is on the minus strand). VCF-style: chr5-45695662-C-T. GRCh37 (hg19) VCF-style: chr5-45695764-C-T.
Identifiers: ClinVar variation 2076175 (VCV002076175.17), dbSNP rs759096969, ClinGen allele CA1543800230.